The following is an entry in ClinVar:

NM_021020.5(LZTS1):c.902G>A (p.Arg301His)

Gene: LZTS1 (leucine zipper tumor suppressor 1; minus strand). Cytogenetic location: 8p21.3.
Variant type: single nucleotide variant.
Coding change: c.902G>A on transcript NM_021020.5 (MANE Select); coding-DNA position 902, G replaced by A.
Protein change: p.Arg301His; replaces arginine 301 with histidine.
Molecular consequence: missense variant.
Genome position (GRCh38, 1-based): chr8:20,253,029, C>T on the plus strand (G>A on the coding strand, the complement: LZTS1 is on the minus strand). VCF-style: chr8-20253029-C-T. GRCh37 (hg19) VCF-style: chr8-20110540-C-T.
Other names: c.902G>A, p.Arg301His (NM_001362884.2); c.902G>A (NM_021020.2); short protein forms R301H.
Identifiers: ClinVar variation 2959992 (VCV002959992.4), dbSNP rs781698128, ClinGen allele CA4657409.

ClinVar aggregate classification (germline): Uncertain significance. Review status: criteria provided, multiple submitters, no conflicts (2 of 4 stars). 2 submissions from 2 submitters: Uncertain significance (2). Last evaluated 2025-11-24.

Allele frequency attached by ClinVar (database versions not stated): ExAC 0.00002; gnomAD 0.00001; TOPMed 0.00001.
gnomAD v4.1: 12 of 1,601,478 alleles (0.00075%); highest among the groups gnomAD compares: Middle Eastern, 0.017%; no homozygotes.

Submissions (2):

Labcorp Genetics (formerly Invitae), Labcorp
Classification: Uncertain significance. Last evaluated: 2025-11-24. Review status: criteria provided, single submitter. Criteria: Invitae Variant Classification Sherloc (09022015). Collection method: clinical testing. Allele origin: germline.
Comment: This sequence change replaces arginine, which is basic and polar, with histidine, which is basic and polar, at codon 301 of the LZTS1 protein (p.Arg301His). The frequency data for this variant in the population databases is considered unreliable, as metrics indicate poor data quality at this position in the gnomAD database. This variant has not been reported in the literature in individuals affected with LZTS1-related conditions. ClinVar contains an entry for this variant (Variation ID: 2959992). Invitae Evidence Modeling of protein sequence and biophysical properties (such as structural, functional, and spatial information, amino acid conservation, physicochemical variation, residue mobility, and thermodynamic stability) indicates that this missense variant is not expected to disrupt LZTS1 protein function with a negative predictive value of 80%. In summary, the available evidence is currently insufficient to determine the role of this variant in disease. Therefore, it has been classified as a Variant of Uncertain Significance.

Ambry Genetics
Classification: Uncertain significance. Last evaluated: 2025-04-10. Review status: criteria provided, single submitter. Criteria: Ambry Variant Classification Scheme 2023. Collection method: clinical testing. Allele origin: germline.